The following is an entry in ClinVar:

ClinVar aggregate classification (germline): Uncertain significance (1 of 4 stars; one submission).

Conditions:
Acromesomelic dysplasia 1, Maroteaux type (AMD1). Also called: ST. HELENA DYSPLASIA; ACROMESOMELIC DYSPLASIA 1. Identifiers: Orphanet 40, MedGen C1864356, MONDO:0011275, OMIM 602875.
Tall stature-scoliosis-macrodactyly of the great toes syndrome. Also called: Epiphyseal chondrodysplasia, miura type. Identifiers: Orphanet 329191, MedGen C4014690, MONDO:0014401, OMIM 615923.

gnomAD v4.1: 2 of 1,609,686 alleles (0.00012%); highest among the groups gnomAD compares: Non-Finnish European, 0.00017%; no homozygotes.

Submission:

Labcorp Genetics (formerly Invitae), Labcorp
Classification: Uncertain significance for Tall stature-scoliosis-macrodactyly of the great toes syndrome; Acromesomelic dysplasia 1, Maroteaux type. Last evaluated: 2024-10-29. Review status: criteria provided, single submitter. Criteria: Invitae Variant Classification Sherloc (09022015). Collection method: clinical testing. Allele origin: germline.
Comment: This sequence change replaces isoleucine, which is neutral and non-polar, with phenylalanine, which is neutral and non-polar, at codon 607 of the NPR2 protein (p.Ile607Phe). This variant is not present in population databases (gnomAD no frequency). This variant has not been reported in the literature in individuals affected with NPR2-related conditions. Invitae Evidence Modeling of protein sequence and biophysical properties (such as structural, functional, and spatial information, amino acid conservation, physicochemical variation, residue mobility, and thermodynamic stability) has been performed for this missense variant. However, the output from this modeling did not meet the statistical confidence thresholds required to predict the impact of this variant on NPR2 protein function. In summary, the available evidence is currently insufficient to determine the role of this variant in disease. Therefore, it has been classified as a Variant of Uncertain Significance.

NM_003995.4(NPR2):c.1819A>T (p.Ile607Phe)

Gene: NPR2 (natriuretic peptide receptor 2; plus strand). Cytogenetic location: 9p13.3.
Variant type: single nucleotide variant.
Coding change: c.1819A>T on transcript NM_003995.4 (MANE Select); coding-DNA position 1819, A replaced by T.
Protein change: p.Ile607Phe; replaces isoleucine 607 with phenylalanine.
Molecular consequence: missense variant.
Genome position (GRCh38, 1-based): chr9:35,802,735, A>T. VCF-style: chr9-35802735-A-T. GRCh37 (hg19) VCF-style: chr9-35802732-A-T.
Other names: c.1828A>T, p.Ile610Phe (NM_001378923.1); short protein forms I607F, I610F.
Identifiers: ClinVar variation 3752639 (VCV003752639.2).
Genomic context (GRCh38, chr9:35,802,735, plus strand): 5'-TGCTGGGTGATAGCTGGTGGGACCAGGACAGACAGTCTATTCCATGTCACTTACCAGGAT[A>T]TTCTAGAAAATGACAGCATCAACTTGGACTGGATGTTTCGTTATTCACTCATTAATGACC-3'
Protein context (NP_003986.2, residues 597-617): EYCPRGSLQD[Ile607Phe]LENDSINLDW